The following is an entry in ClinVar:

NM_001376.5(DYNC1H1):c.6133G>A (p.Asp2045Asn)

Gene: DYNC1H1 (dynein cytoplasmic 1 heavy chain 1; plus strand). Cytogenetic location: 14q32.31.
Variant type: single nucleotide variant.
Coding change: c.6133G>A on transcript NM_001376.5 (MANE Select); coding-DNA position 6133, G replaced by A.
Protein change: p.Asp2045Asn; replaces aspartic acid 2045 with asparagine.
Molecular consequence: missense variant.
Genome position (GRCh38, 1-based): chr14:102,009,998, G>A. VCF-style: chr14-102009998-G-A. GRCh37 (hg19) VCF-style: chr14-102476335-G-A.
Other names: short protein forms D2045N.
Identifiers: ClinVar variation 2903315 (VCV002903315.3), dbSNP rs773200201, ClinGen allele CA7352554.
Genomic context (GRCh38, chr14:102,009,998, plus strand): 5'-CGGTCTAACCTTCCTGACAACTTGAAGAAGCTGTTCCGGAGCTTGGCCATGACCAAGCCC[G>A]ACCGGCAGTTAATCGCCCAGGTCATGCTGTACTCACAGGGTTTCCGCACTGCTGAAGTGC-3'
Protein context (NP_001367.2, residues 2035-2055): LFRSLAMTKP[Asp2045Asn]RQLIAQVMLY

ClinVar aggregate classification (germline): Uncertain significance (1 of 4 stars; one submission).

Conditions:
Charcot-Marie-Tooth disease axonal type 2O. Also called: CHARCOT-MARIE-TOOTH NEUROPATHY, AXONAL, TYPE 2O; CHARCOT-MARIE-TOOTH DISEASE, AXONAL, AUTOSOMAL DOMINANT, TYPE 2O; Charcot-Marie-Tooth Neuropathy Type 2O; Charcot-Marie-Tooth disease, axonal, type 20. Identifiers: Orphanet 284232, MedGen C3280220, MONDO:0013644, OMIM 614228.

Allele frequency attached by ClinVar (database versions not stated): TOPMed below 0.00001; ExAC 0.00001; gnomAD 0.00001; gnomAD exomes 0.00001.
gnomAD v4.1: 11 of 1,613,908 alleles (0.00068%); highest among the groups gnomAD compares: East Asian, 0.0022%; no homozygotes.

Submission:

Labcorp Genetics (formerly Invitae), Labcorp
Classification: Uncertain significance for Charcot-Marie-Tooth disease axonal type 2O. Last evaluated: 2023-07-19. Review status: criteria provided, single submitter. Criteria: Invitae Variant Classification Sherloc (09022015). Collection method: clinical testing. Allele origin: germline.
Comment: Advanced modeling of protein sequence and biophysical properties (such as structural, functional, and spatial information, amino acid conservation, physicochemical variation, residue mobility, and thermodynamic stability) has been performed at Invitae for this missense variant, however the output from this modeling did not meet the statistical confidence thresholds required to predict the impact of this variant on DYNC1H1 protein function. In summary, the available evidence is currently insufficient to determine the role of this variant in disease. Therefore, it has been classified as a Variant of Uncertain Significance. This variant has not been reported in the literature in individuals affected with DYNC1H1-related conditions. This variant is present in population databases (rs773200201, gnomAD 0.004%). This sequence change replaces aspartic acid, which is acidic and polar, with asparagine, which is neutral and polar, at codon 2045 of the DYNC1H1 protein (p.Asp2045Asn).